The following is an entry in ClinVar:

NM_001298.3(CNGA3):c.1061A>G (p.Tyr354Cys)

Gene: CNGA3 (cyclic nucleotide gated channel subunit alpha 3; plus strand). Cytogenetic location: 2q11.2.
Variant type: single nucleotide variant.
Coding change: c.1061A>G on transcript NM_001298.3 (MANE Select); coding-DNA position 1061, A replaced by G.
Protein change: p.Tyr354Cys; replaces tyrosine 354 with cysteine.
Molecular consequence: missense variant.
Genome position (GRCh38, 1-based): chr2:98,396,231, A>G. VCF-style: chr2-98396231-A-G. GRCh37 (hg19) VCF-style: chr2-99012694-A-G.
Other names: c.1007A>G, p.Tyr336Cys (NM_001079878.2); short protein forms Y336C, Y354C.
Identifiers: ClinVar variation 1064500 (VCV001064500.10), dbSNP rs760524816, ClinGen allele CA1793939.

ClinVar aggregate classification (germline): Uncertain significance. Review status: criteria provided, multiple submitters, no conflicts (2 of 4 stars). 3 submissions from 3 submitters: Uncertain significance (2). 1 of the submissions does not count toward it. Last evaluated 2024-10-15.

Conditions:
Achromatopsia 2 (ACHM2). Also called: ROD MONOCHROMACY 2; ROD MONOCHROMATISM 2; COLORBLINDNESS, TOTAL. Identifiers: Orphanet 49382, MedGen C1857618, MONDO:0009003, OMIM 216900.

Allele frequency attached by ClinVar (database versions not stated): gnomAD 0.00001; TOPMed 0.00001; ExAC 0.00002; gnomAD exomes 0.00002 and 0.00006.
gnomAD v4.1: 84 of 1,614,028 alleles (0.0052%); highest among the groups gnomAD compares: Non-Finnish European, 0.0069%; no homozygotes.

Submissions (3):

Labcorp Genetics (formerly Invitae), Labcorp
Classification: Uncertain significance. Last evaluated: 2024-10-15. Review status: criteria provided, single submitter. Criteria: Invitae Variant Classification Sherloc (09022015). Collection method: clinical testing. Allele origin: germline.
Comment: This sequence change replaces tyrosine, which is neutral and polar, with cysteine, which is neutral and slightly polar, at codon 354 of the CNGA3 protein (p.Tyr354Cys). This variant is present in population databases (rs760524816, gnomAD 0.004%). This missense change has been observed in individual(s) with achromatopsia (PMID: 35332618). ClinVar contains an entry for this variant (Variation ID: 1064500). Invitae Evidence Modeling of protein sequence and biophysical properties (such as structural, functional, and spatial information, amino acid conservation, physicochemical variation, residue mobility, and thermodynamic stability) indicates that this missense variant is expected to disrupt CNGA3 protein function with a positive predictive value of 95%. In summary, the available evidence is currently insufficient to determine the role of this variant in disease. Therefore, it has been classified as a Variant of Uncertain Significance.

Blueprint Genetics
Classification: Uncertain significance. Last evaluated: 2021-12-02. Review status: criteria provided, single submitter. Criteria: ACMG Guidelines, 2015. Collection method: clinical testing. Allele origin: germline.

Molecular Genetics Laboratory, Institute for Ophthalmic Research
Classification: Likely pathogenic for Achromatopsia 2. Last evaluated: 2021-04-15. Review status: no assertion criteria provided. Collection method: research. Allele origin: germline. Affected: yes. Not counted in ClinVar's aggregate classification.

Literature cited by the submitters: PubMed 35332618 (cited by Labcorp Genetics (formerly Invitae), Labcorp).